The following is an entry in ClinVar:

ClinVar aggregate classification (germline): Uncertain significance (1 of 4 stars; one submission).

Submission:

GeneDx
Classification: Uncertain significance. Last evaluated: 2023-05-31. Review status: criteria provided, single submitter. Criteria: GeneDx Variant Classification Process June 2021. Collection method: clinical testing. Allele origin: germline. Affected: yes.
Comment: Not observed at significant frequency in large population cohorts (gnomAD); Nonsense variant predicted to result in protein truncation or nonsense mediated decay in a gene for which loss of function is not an established mechanism of disease; Has not been previously published as pathogenic or benign to our knowledge

NM_003601.4(SMARCA5):c.2920C>T (p.Arg974Ter)

Gene: SMARCA5 (SNF2 related chromatin remodeling ATPase 5; plus strand). Cytogenetic location: 4q31.21.
Variant type: single nucleotide variant.
Coding change: c.2920C>T on transcript NM_003601.4 (MANE Select); coding-DNA position 2920, C replaced by T.
Protein change: p.Arg974Ter; replaces arginine 974 with a stop codon.
Molecular consequence: nonsense.
Genome position (GRCh38, 1-based): chr4:143,548,075, C>T. VCF-style: chr4-143548075-C-T. GRCh37 (hg19) VCF-style: chr4-144469228-C-T.
Other names: short protein forms R974*.
Identifiers: ClinVar variation 3343752 (VCV003343752.1).